The following is an entry in ClinVar:

NM_032603.5(LOXL3):c.2188+12del

Gene: LOXL3 (lysyl oxidase like 3; minus strand). Cytogenetic location: 2p13.1.
Variant type: Deletion.
Coding change: c.2188+12del on transcript NM_032603.5 (MANE Select); 12 bases into the intron after coding-DNA position 2188, one base deleted (G; older notation c.2188+12delG).
Molecular consequence: intron variant.
Genome position (GRCh38, 1-based): chr2:74,533,870, C deleted on the plus strand (G on the coding strand, the reverse complement: LOXL3 is on the minus strand); the first of 3 consecutive C bases (chr2:74,533,870-74,533,872); deleting any one gives the same sequence. VCF-style (leftmost placement, unchanged base first): chr2-74533869-TC-T. GRCh37 (hg19) VCF-style: chr2-74760996-TC-T.
Other names: c.1753+12del (NM_001289164.3); c.1105+12del (NM_001289165.2).
Identifiers: ClinVar variation 1977884 (VCV001977884.5), dbSNP rs1452145845, ClinGen allele CA534128054.

ClinVar aggregate classification (germline): Uncertain significance (1 of 4 stars; one submission).

Submission:

Labcorp Genetics (formerly Invitae), Labcorp
Classification: Uncertain significance. Last evaluated: 2022-08-19. Review status: criteria provided, single submitter. Criteria: Invitae Variant Classification Sherloc (09022015). Collection method: clinical testing. Allele origin: germline.
Comment: In summary, the available evidence is currently insufficient to determine the role of this variant in disease. Therefore, it has been classified as a Variant of Uncertain Significance. Algorithms developed to predict the effect of sequence changes on RNA splicing suggest that this variant may disrupt the consensus splice site. This variant has not been reported in the literature in individuals affected with LOXL3-related conditions. This variant is present in population databases (no rsID available, gnomAD 0.01%). This sequence change falls in intron 13 of the LOXL3 gene. It does not directly change the encoded amino acid sequence of the LOXL3 protein.